The following is an entry in ClinVar:

NM_000030.3(AGXT):c.346G>C (p.Gly116Arg)

Gene: AGXT (alanine--glyoxylate aminotransferase; plus strand). Cytogenetic location: 2q37.3.
Variant type: single nucleotide variant.
Coding change: c.346G>C on transcript NM_000030.3 (MANE Select); coding-DNA position 346, G replaced by C.
Protein change: p.Gly116Arg; replaces glycine 116 with arginine.
Molecular consequence: missense variant.
Genome position (GRCh38, 1-based): chr2:240,869,350, G>C. VCF-style: chr2-240869350-G-C. GRCh37 (hg19) VCF-style: chr2-241808767-G-C.
Other names: p.Gly116Arg; short protein forms G116R.
Identifiers: ClinVar variation 4540832 (VCV004540832.1).

ClinVar aggregate classification (germline): Likely pathogenic (1 of 4 stars; one submission).

Submission:

Mayo Clinic Laboratories, Mayo Clinic
Classification: Likely pathogenic. Last evaluated: 2025-07-30. Review status: criteria provided, single submitter. Criteria: ACMG Guidelines, 2015. Collection method: clinical testing. Allele origin: germline. Observed: 1 variant allele.
Comment: PP3_moderate, PM2_supporting, PM3_supporting, PS1

Literature cited by the submitters: PubMed 10453743; PubMed 11562405; PubMed 17460142; PubMed 24988064; PubMed 25629080; PubMed 25918646; PubMed 26252291; PubMed 33691640; PubMed 36194362; PubMed 36874433; PubMed 38374194; PubMed 38826567.